The following is an entry in ClinVar:

NM_001184880.2(PCDH19):c.3205C>A (p.Leu1069Ile)

Gene: PCDH19 (protocadherin 19; minus strand). Cytogenetic location: Xq22.1.
Variant type: single nucleotide variant.
Coding change: c.3205C>A on transcript NM_001184880.2 (MANE Select); coding-DNA position 3205, C replaced by A.
Protein change: p.Leu1069Ile; replaces leucine 1069 with isoleucine.
Molecular consequence: missense variant.
Genome position (GRCh38, 1-based): chrX:100,296,519, G>T on the plus strand (C>A on the coding strand, the complement: PCDH19 is on the minus strand). VCF-style: chrX-100296519-G-T. GRCh37 (hg19) VCF-style: chrX-99551517-G-T.
Other names: c.3064C>A, p.Leu1022Ile (NM_001105243.2); c.3061C>A, p.Leu1021Ile (NM_020766.3); short protein forms L1069I, L1021I, L1022I.
Identifiers: ClinVar variation 2712160 (VCV002712160.3), dbSNP rs1403828540, ClinGen allele CA413999999.
Genomic context (GRCh38, chrX:100,296,519, plus strand): 5'-GAGCCAGGGCAATGGTGTAAGACACGGAAGGCTTGGTGGGCAGAGAGCTCTTGAGGTGGA[G>T]GGGGGAGGTGACAGGGCTAATCGCCTCACAGCCATTGCCTGCCTCCCGGATAACGCTGTT-3'
Protein context (NP_001171809.1, residues 1059-1079): CEAISPVTSP[Leu1069Ile]HLKSSLPTKP

ClinVar aggregate classification (germline): Uncertain significance (1 of 4 stars; one submission).

Conditions:
Developmental and epileptic encephalopathy, 9 (DEE9). Also called: Early infantile epileptic encephalopathy 9; JUBERG-HELLMAN SYNDROME; PCDH19-Related X-Linked Female-Limited Epilepsy with Mental Retardation; EPILEPSY, FEMALE-RESTRICTED, WITH MENTAL RETARDATION. Identifiers: Orphanet 101039, Orphanet 2076, MedGen C1848137, MONDO:0010246, OMIM 300088. Disease mechanism: loss of function.

gnomAD v4.1: 7 of 1,210,499 alleles (0.00058%); highest among the groups gnomAD compares: Non-Finnish European, 0.00067%; no homozygotes.

Submission:

Labcorp Genetics (formerly Invitae), Labcorp
Classification: Uncertain significance for Developmental and epileptic encephalopathy, 9. Last evaluated: 2023-08-24. Review status: criteria provided, single submitter. Criteria: Invitae Variant Classification Sherloc (09022015). Collection method: clinical testing. Allele origin: germline.
Comment: This sequence change replaces leucine, which is neutral and non-polar, with isoleucine, which is neutral and non-polar, at codon 1069 of the PCDH19 protein (p.Leu1069Ile). In summary, the available evidence is currently insufficient to determine the role of this variant in disease. Therefore, it has been classified as a Variant of Uncertain Significance. Advanced modeling of protein sequence and biophysical properties (such as structural, functional, and spatial information, amino acid conservation, physicochemical variation, residue mobility, and thermodynamic stability) performed at Invitae indicates that this missense variant is not expected to disrupt PCDH19 protein function. This variant has not been reported in the literature in individuals affected with PCDH19-related conditions. This variant is present in population databases (no rsID available, gnomAD 0.001%).